The following is an entry in ClinVar:

NM_007294.4(BRCA1):c.4034A>T (p.Glu1345Val)

Genes: BRCA1 (BRCA1 DNA repair associated; minus strand), LOC126862571 (BRD4-independent group 4 enhancer GRCh37_chr17:41243136-41244335; plus strand). Cytogenetic location: 17q21.31.
Variant type: single nucleotide variant.
Coding change: c.4034A>T on transcript NM_007294.4 (MANE Select); coding-DNA position 4034, A replaced by T.
Protein change: p.Glu1345Val; replaces glutamic acid 1345 with valine.
Molecular consequence: missense variant. On other transcripts: intron variant (135).
Genome position (GRCh38, 1-based): chr17:43,091,497, T>A on the plus strand (A>T on the coding strand, the complement: BRCA1 is on the minus strand). VCF-style: chr17-43091497-T-A. GRCh37 (hg19) VCF-style: chr17-41243514-T-A.
Other names: c.4034A>T, p.Glu1345Val (NM_001407597.1, NM_001407598.1, NM_001407602.1 and 30 more transcripts); c.4031A>T, p.Glu1344Val (NM_001407610.1, NM_001407611.1, NM_001407612.1 and 22 more transcripts); c.4025A>T, p.Glu1342Val (NM_001407646.1, NM_001407647.1); c.3911A>T, p.Glu1304Val (NM_001407648.1, NM_001407664.1, NM_001407665.1 and 19 more transcripts); c.3908A>T, p.Glu1303Val (NM_001407649.1, NM_001407670.1, NM_001407671.1 and 11 more transcripts); c.3956A>T, p.Glu1319Val (NM_001407653.1, NM_001407654.1, NM_001407655.1 and 4 more transcripts); c.3953A>T, p.Glu1318Val (NM_001407659.1, NM_001407660.1, NM_001407661.1 and 1 more transcripts); c.3893A>T, p.Glu1298Val (NM_001407692.1, NM_001407694.1, NM_001407695.1 and 29 more transcripts); and 41 more; short protein forms E1298V, E1345V, E1218V, E1233V, E1256V, E1278V, E1318V, E1342V.
Identifiers: ClinVar variation 824526 (VCV000824526.20), dbSNP rs745638837, ClinGen allele CA059040.
Genomic context (GRCh38, chr17:43,091,497, plus strand): 5'-AAGTTTGAATCCATGCTTTGCTCTTCTTGATTATTTTCTTCCAAGCCCGTTCCTCTTTCT[T>A]CATCATCTGAAACCAATTCCTTGTCACTCAGACCAACTCCCTGGCTTTCAGACTGATGCC-3'
Protein context (NP_009225.1, residues 1335-1355): LSDKELVSDD[Glu1345Val]ERGTGLEENN

ClinVar aggregate classification (germline): Conflicting classifications of pathogenicity. Review status: criteria provided, conflicting classifications (1 of 4 stars). 4 submissions from 4 submitters: Uncertain significance (3); Likely benign (1). Last evaluated 2025-09-14.

Conditions:
Hereditary cancer-predisposing syndrome. Also called: Neoplastic Syndromes, Hereditary; Tumor predisposition; Hereditary neoplastic syndrome; Hereditary Cancer Syndrome. Identifiers: Orphanet 140162, MedGen C0027672, MeSH D009386, MONDO:0015356.
Hereditary breast ovarian cancer syndrome. Also called: Hereditary breast and ovarian cancer syndrome; Hereditary breast and ovarian cancer; Hereditary breast and ovarian cancer syndrome (HBOC); Breast and ovarian cancer; Hereditary breast and/or ovarian cancer syndrome; BRCA1- and BRCA2-Associated Hereditary Breast and Ovarian Cancer. Identifiers: Orphanet 145, MedGen C0677776, MeSH D061325, MONDO:0003582. Disease mechanism: loss of function.

Allele frequency attached by ClinVar (database versions not stated): gnomAD exomes below 0.00001; ExAC 0.00001.

Submissions (4):

Labcorp Genetics (formerly Invitae), Labcorp
Classification: Uncertain significance for Hereditary breast ovarian cancer syndrome. Last evaluated: 2025-09-14. Review status: criteria provided, single submitter. Criteria: Invitae Variant Classification Sherloc (09022015). Collection method: clinical testing. Allele origin: germline.
Comment: This sequence change replaces glutamic acid, which is acidic and polar, with valine, which is neutral and non-polar, at codon 1345 of the BRCA1 protein (p.Glu1345Val). This variant is present in population databases (rs745638837, gnomAD 0.0009%). This missense change has been observed in individual(s) with cervical squamous cell carcinoma and endocervical adenocarcinoma (PMID: 29625052). ClinVar contains an entry for this variant (Variation ID: 824526). Invitae Evidence Modeling of protein sequence and biophysical properties (such as structural, functional, and spatial information, amino acid conservation, physicochemical variation, residue mobility, and thermodynamic stability) has been performed for this missense variant. However, the output from this modeling did not meet the statistical confidence thresholds required to predict the impact of this variant on BRCA1 protein function. Studies have shown that this missense change is associated with inconclusive levels of altered splicing (internal data). In summary, the available evidence is currently insufficient to determine the role of this variant in disease. Therefore, it has been classified as a Variant of Uncertain Significance.

University of Washington Department of Laboratory Medicine, University of Washington
Classification: Likely benign for Hereditary cancer-predisposing syndrome. Last evaluated: 2023-03-23. Review status: criteria provided, single submitter. Criteria: Dines et al. (Genet Med. 2020). Collection method: curation. Allele origin: germline.
Comment: Missense variant in a coldspot region where missense variants are very unlikely to be pathogenic (PMID:31911673).

BRCA1 coldspot (exon 11 using historical exon numbering). Reclassification based on statistical prior probability

Color Diagnostics, LLC DBA Color Health
Classification: Uncertain significance for Hereditary cancer-predisposing syndrome. Last evaluated: 2022-09-13. Review status: criteria provided, single submitter. Criteria: ACMG Guidelines, 2015. Collection method: clinical testing. Allele origin: germline.
Comment: This missense variant replaces glutamic acid with valine at codon 1345 of the BRCA1 protein. Computational prediction is inconclusive regarding the impact of this variant on protein structure and function (internally defined REVEL score threshold 0.5 < inconclusive < 0.7, PMID: 27666373). To our knowledge, functional studies have not been reported for this variant. This variant has not been reported in individuals affected with hereditary cancer in the literature. This variant has been identified in 1/251088 chromosomes in the general population by the Genome Aggregation Database (gnomAD). The available evidence is insufficient to determine the role of this variant in disease conclusively. Therefore, this variant is classified as a Variant of Uncertain Significance.

Ambry Genetics
Classification: Uncertain significance for Hereditary cancer-predisposing syndrome. Last evaluated: 2019-04-26. Review status: criteria provided, single submitter. Criteria: Ambry Variant Classification Scheme 2023. Collection method: clinical testing. Allele origin: germline.
Comment: The p.E1345V variant (also known as c.4034A>T), located in coding exon 9 of the BRCA1 gene, results from an A to T substitution at nucleotide position 4034. The glutamic acid at codon 1345 is replaced by valine, an amino acid with dissimilar properties. This amino acid position is poorly conserved in available vertebrate species. In addition, the in silico prediction for this alteration is inconclusive. Since supporting evidence is limited at this time, the clinical significance of this alteration remains unclear.

Literature cited by the submitters: PubMed 29625052 (cited by Labcorp Genetics (formerly Invitae), Labcorp).